The following is an entry in ClinVar:

ClinVar aggregate classification (germline): Benign/Likely benign. Review status: criteria provided, multiple submitters, no conflicts (2 of 4 stars). 12 submissions from 12 submitters: Benign (8); Likely benign (1). 3 of the submissions do not count toward it. Last evaluated 2026-06-26.

Conditions:
Autosomal recessive nonsyndromic hearing loss 77. Identifiers: Orphanet 90636, MedGen C2746083, MONDO:0013119, OMIM 613079.

Allele frequency attached by ClinVar (database versions not stated): 1000 Genomes Project 30x 0.37133; 1000 Genomes Project 0.37899; gnomAD 0.31432 and 0.30620; gnomAD exomes 0.34110 and 0.36782; TOPMed 0.31467; ExAC 0.32170.
gnomAD v4.1: 524,702 of 1,551,192 alleles (34%); highest among the groups gnomAD compares: East Asian, 77%; 93,793 homozygotes.

Submissions (12):

Women's Health and Genetics/Laboratory Corporation of America, LabCorp
Classification: Likely benign. Last evaluated: 2026-06-26. Review status: criteria provided, single submitter. Criteria: LabCorp Variant Classification Summary - May 2015. Collection method: clinical testing. Allele origin: germline.

Labcorp Genetics (formerly Invitae), Labcorp
Classification: Benign. Last evaluated: 2026-02-04. Review status: criteria provided, single submitter. Criteria: Invitae Variant Classification Sherloc (09022015). Collection method: clinical testing. Allele origin: germline.

Genome-Nilou Lab
Classification: Benign for Autosomal recessive nonsyndromic hearing loss 77. Last evaluated: 2021-07-10. Review status: criteria provided, single submitter. Criteria: ACMG Guidelines, 2015. Collection method: clinical testing. Allele origin: germline. Affected: no.

Mayo Clinic Laboratories, Mayo Clinic
Classification: Benign. Last evaluated: 2020-08-13. Review status: criteria provided, single submitter. Criteria: ACMG Guidelines, 2015. Collection method: clinical testing. Allele origin: germline. Observed: 113 variant alleles.

Illumina Laboratory Services, Illumina
Classification: Benign for Autosomal recessive nonsyndromic hearing loss 77. Last evaluated: 2018-01-13. Review status: criteria provided, single submitter. Criteria: ICSL Variant Classification Criteria 13 December 2019. Collection method: clinical testing. Allele origin: germline.
Comment: This variant was observed in the ICSL laboratory as part of a predisposition screen in an ostensibly healthy population. It had not been previously curated by ICSL or reported in the Human Gene Mutation Database (HGMD: prior to June 1st, 2018), and was therefore a candidate for classification through an automated scoring system. Utilizing variant allele frequency, disease prevalence and penetrance estimates, and inheritance mode, an automated score was calculated to assess if this variant is too frequent to cause the disease. Based on the score and internal cut-off values, a variant classified as benign is not then subjected to further curation. The score for this variant resulted in a classification of benign for this disease.

GeneDx
Classification: Benign. Last evaluated: 2017-05-09. Review status: criteria provided, single submitter. Criteria: GeneDx Variant Classification (06012015). Collection method: clinical testing. Allele origin: germline. Affected: yes.
Comment: This variant is considered likely benign or benign based on one or more of the following criteria: it is a conservative change, it occurs at a poorly conserved position in the protein, it is predicted to be benign by multiple in silico algorithms, and/or has population frequency not consistent with disease.

Laboratory for Molecular Medicine, Mass General Brigham Personalized Medicine
Classification: Benign. Last evaluated: 2012-05-07. Review status: criteria provided, single submitter. Criteria: LMM Criteria. Collection method: clinical testing. Allele origin: germline. Observed: 949 variant alleles.
Comment: Ala2036Val in Exon 39 of LOXHD1: This variant is not expected to have clinical s ignificance because it has been identified in 33.0% (836/2532) of European Ameri can chromosomes from a broad population by the NHLBI Exome Sequencing Project (dbSNP rs1377016).

Breakthrough Genomics
Classification: Benign. Review status: criteria provided, single submitter. Criteria: ACMG Guidelines, 2015. Collection method: not provided. Allele origin: germline. Inheritance: Autosomal recessive inheritance. Affected: yes.

PreventionGenetics, part of Exact Sciences
Classification: Benign. Review status: criteria provided, single submitter. Criteria: ACMG Guidelines, 2015. Collection method: clinical testing. Allele origin: germline.

Natera, Inc.
Classification: Benign for Autosomal recessive deafness type 77. Last evaluated: 2020-09-16. Review status: no assertion criteria provided. Collection method: clinical testing. Allele origin: germline. Not counted in ClinVar's aggregate classification.

Diagnostic Laboratory, Department of Genetics, University Medical Center Groningen
Classification: Benign. Review status: no assertion criteria provided. Collection method: clinical testing. Allele origin: germline. Affected: yes. Study: VKGL Data-share Consensus. Not counted in ClinVar's aggregate classification.

Joint Genome Diagnostic Labs from Nijmegen and Maastricht, Radboudumc and MUMC+
Classification: Benign. Review status: no assertion criteria provided. Collection method: clinical testing. Allele origin: germline. Affected: yes. Study: VKGL Data-share Consensus. Not counted in ClinVar's aggregate classification.

NM_001384474.1(LOXHD1):c.6293C>T (p.Ala2098Val)

Gene: LOXHD1 (lipoxygenase homology PLAT domains 1; minus strand). Cytogenetic location: 18q21.1.
Variant type: single nucleotide variant.
Coding change: c.6293C>T on transcript NM_001384474.1 (MANE Select); coding-DNA position 6293, C replaced by T.
Protein change: p.Ala2098Val; replaces alanine 2098 with valine.
Molecular consequence: missense variant.
Genome position (GRCh38, 1-based): chr18:46,483,635, G>A on the plus strand (C>T on the coding strand, the complement: LOXHD1 is on the minus strand). VCF-style: chr18-46483635-G-A. GRCh37 (hg19) VCF-style: chr18-44063598-G-A.
Other names: c.2960C>T, p.Ala987Val (NM_001145472.3); c.1010C>T, p.Ala337Val (NM_001145473.3, NM_001173129.2); c.2672C>T, p.Ala891Val (NM_001308013.2); c.6107C>T, p.Ala2036Val (NM_144612.7); short protein forms A2036V, A891V, A987V, A337V, A2098V.
Identifiers: ClinVar variation 47949 (VCV000047949.30), dbSNP rs1377016, ClinGen allele CA142241.